The following is an entry in ClinVar:

ClinVar aggregate classification (germline): Uncertain significance (1 of 4 stars; one submission).

Conditions:
Diamond-Blackfan anemia. Also called: Blackfan Diamond syndrome; Aregenerative anemia chronic congenital; Red cell aplasia, pure hereditary; Congenital hypoplastic anemia; Aase syndrome. Identifiers: Orphanet 124, MedGen C1260899, MeSH D029503, MONDO:0015253, HP:0004810.

Submission:

Labcorp Genetics (formerly Invitae), Labcorp
Classification: Uncertain significance for Diamond-Blackfan anemia. Last evaluated: 2021-04-26. Review status: criteria provided, single submitter. Criteria: Invitae Variant Classification Sherloc (09022015). Collection method: clinical testing. Allele origin: germline.
Comment: In summary, the available evidence is currently insufficient to determine the role of this variant in disease. Therefore, it has been classified as a Variant of Uncertain Significance. Algorithms developed to predict the effect of missense changes on protein structure and function are either unavailable or do not agree on the potential impact of this missense change (SIFT: "Tolerated"; PolyPhen-2: "Possibly Damaging"; Align-GVGD: "Class C0"). This variant has not been reported in the literature in individuals with RPS10-related conditions. This variant is not present in population databases (ExAC no frequency). This sequence change replaces tyrosine with histidine at codon 12 of the RPS10 protein (p.Tyr12His). The tyrosine residue is highly conserved and there is a moderate physicochemical difference between tyrosine and histidine.

NM_001014.5(RPS10):c.34T>C (p.Tyr12His)

Genes: RPS10 (ribosomal protein S10; minus strand), RPS10-NUDT3 (RPS10-NUDT3 readthrough; minus strand). Cytogenetic location: 6p21.31.
Variant type: single nucleotide variant.
Coding change: c.34T>C on transcript NM_001014.5 (MANE Select); coding-DNA position 34, T replaced by C.
Protein change: p.Tyr12His; replaces tyrosine 12 with histidine.
Molecular consequence: missense variant.
Genome position (GRCh38, 1-based): chr6:34,425,188, A>G on the plus strand (T>C on the coding strand, the complement: RPS10 is on the minus strand). VCF-style: chr6-34425188-A-G. GRCh37 (hg19) VCF-style: chr6-34392965-A-G.
Other names: c.34T>C, p.Tyr12His (NM_001202470.3, NM_001203245.3, NM_001204091.2); short protein forms Y12H.
Identifiers: ClinVar variation 1349051 (VCV001349051.8), dbSNP rs2113806064, ClinGen allele CA363885875.